The following is an entry in ClinVar:

ClinVar aggregate classification (germline): Benign. Review status: criteria provided, multiple submitters, no conflicts (2 of 4 stars). 6 submissions from 6 submitters: Benign (6). Last evaluated 2026-02-02.

Conditions:
Vanishing white matter disease. Also called: CACH syndrome; Childhood ataxia with diffuse central nervous system hypomyelination; Leukoencephalopathy with vanishing white matter; CACH/VWM syndrome; Cree leukoencehalopathy. Identifiers: Orphanet 135, Orphanet 99853, MedGen C1858991, MONDO:0800448.

Allele frequency attached by ClinVar (database versions not stated): 1000 Genomes Project 0.00739; 1000 Genomes Project 30x 0.00796; TOPMed 0.01094; gnomAD exomes 0.01135 and 0.01454; gnomAD 0.01188 and 0.01220; ExAC 0.01263; ESP Exome Variant Server 0.01330.
gnomAD v4.1: 22,832 of 1,614,102 alleles (1.4%); highest among the groups gnomAD compares: Non-Finnish European, 1.7%; 201 homozygotes.

Submissions (6):

Labcorp Genetics (formerly Invitae), Labcorp
Classification: Benign. Last evaluated: 2026-02-02. Review status: criteria provided, single submitter. Criteria: Invitae Variant Classification Sherloc (09022015). Collection method: clinical testing. Allele origin: germline.

Mayo Clinic Laboratories, Mayo Clinic
Classification: Benign. Last evaluated: 2023-06-09. Review status: criteria provided, single submitter. Criteria: ACMG Guidelines, 2015. Collection method: clinical testing. Allele origin: germline. Observed: 11 variant alleles.
Comment: BS1, BS2, BP4, BP7

Illumina Laboratory Services, Illumina
Classification: Benign for Leukoencephalopathy with vanishing white matter 1. Last evaluated: 2017-04-27. Review status: criteria provided, single submitter. Criteria: ICSL Variant Classification Criteria 13 December 2019. Collection method: clinical testing. Allele origin: germline.
Comment: This variant was observed as part of a predisposition screen in an ostensibly healthy population. A literature search was performed for the gene, cDNA change, and amino acid change (where applicable). Publications were found based on this search. The evidence from the literature, in combination with allele frequency data from public databases where available, was sufficient to rule this variant out of causing disease. Therefore, this variant is classified as benign.

Eurofins Ntd Llc (ga)
Classification: Benign. Last evaluated: 2013-10-24. Review status: criteria provided, single submitter. Criteria: EGL Classification Definitions 2015. Collection method: clinical testing. Allele origin: germline. Observed: 3 variant alleles, 3 heterozygotes.

Breakthrough Genomics
Classification: Benign. Review status: criteria provided, single submitter. Criteria: ACMG Guidelines, 2015. Collection method: not provided. Allele origin: germline. Inheritance: Autosomal recessive inheritance. Affected: yes.

PreventionGenetics, part of Exact Sciences
Classification: Benign. Review status: criteria provided, single submitter. Criteria: ACMG Guidelines, 2015. Collection method: clinical testing. Allele origin: germline.

Literature cited by the submitters: PubMed 26553438 (cited by Illumina Laboratory Services, Illumina).

NM_001034116.2(EIF2B4):c.1233C>T (p.Asn411=)

Genes: GTF3C2-AS2 (GTF3C2 antisense RNA 2; plus strand), EIF2B4 (eukaryotic translation initiation factor 2B subunit delta; minus strand). Cytogenetic location: 2p23.3.
Variant type: single nucleotide variant.
Coding change: c.1233C>T on transcript NM_001034116.2 (MANE Select); coding-DNA position 1233, C replaced by T.
Protein change: p.Asn411=; no amino-acid change (asparagine 411 retained).
Molecular consequence: synonymous variant.
Genome position (GRCh38, 1-based): chr2:27,364,857, G>A on the plus strand (C>T on the coding strand, the complement: EIF2B4 is on the minus strand). VCF-style: chr2-27364857-G-A. GRCh37 (hg19) VCF-style: chr2-27587724-G-A.
Other names: p.Asn410=; c.1296C>T, p.Asn432= (NM_001318965.2); c.1188C>T, p.Asn396= (NM_001318966.2); c.1140C>T, p.Asn380= (NM_001318967.2); c.648C>T, p.Asn216= (NM_001318968.2); c.615C>T, p.Asn205= (NM_001318969.2); c.1230C>T, p.Asn410= (NM_015636.4); c.1293C>T, p.Asn431= (NM_172195.4).
Identifiers: ClinVar variation 95737 (VCV000095737.20), dbSNP rs1058065, ClinGen allele CA148784.